The following is an entry in ClinVar:

NM_000179.3(MSH6):c.3468G>C (p.Met1156Ile)

Gene: MSH6 (mutS homolog 6; plus strand). Cytogenetic location: 2p16.3.
Variant type: single nucleotide variant.
Coding change: c.3468G>C on transcript NM_000179.3 (MANE Select); coding-DNA position 3468, G replaced by C.
Protein change: p.Met1156Ile; replaces methionine 1156 with isoleucine.
Molecular consequence: missense variant.
Genome position (GRCh38, 1-based): chr2:47,804,939, G>C. VCF-style: chr2-47804939-G-C. GRCh37 (hg19) VCF-style: chr2-48032078-G-C.
Other names: c.3078G>C, p.Met1026Ile (NM_001281492.2); c.2562G>C, p.Met854Ile (NM_001281493.2, NM_001281494.2); short protein forms M1156I, M854I, M1026I.
Identifiers: ClinVar variation 582446 (VCV000582446.14), dbSNP rs876658980, ClinGen allele CA346760073.
Genomic context (GRCh38, chr2:47,804,939, plus strand): 5'-CATAAAAGACCTTTTCCTCCCTCATTCACAGGCTGGCTTATTAGCTGTAATGGCCCAGAT[G>C]GGTTGTTACGTCCCTGCTGAAGTGTGCAGGCTCACACCAATTGATAGAGTGTTTACTAGA-3'
Protein context (NP_000170.1, residues 1146-1166): QAGLLAVMAQ[Met1156Ile]GCYVPAEVCR

ClinVar aggregate classification (germline): Uncertain significance. Review status: criteria provided, multiple submitters, no conflicts (2 of 4 stars). 2 submissions from 2 submitters: Uncertain significance (2). Last evaluated 2023-08-04.

Conditions:
Hereditary nonpolyposis colorectal neoplasms. Identifiers: MedGen C0009405, MeSH D003123.
Hereditary cancer-predisposing syndrome. Also called: Neoplastic Syndromes, Hereditary; Hereditary Cancer Syndrome; Tumor predisposition; Hereditary neoplastic syndrome. Identifiers: Orphanet 140162, MedGen C0027672, MeSH D009386, MONDO:0015356.

Submissions (2):

Ambry Genetics
Classification: Uncertain significance for Hereditary cancer-predisposing syndrome. Last evaluated: 2023-08-04. Review status: criteria provided, single submitter. Criteria: Ambry Variant Classification Scheme 2023. Collection method: clinical testing. Allele origin: germline.
Comment: The p.M1156I variant (also known as c.3468G>C), located in coding exon 6 of the MSH6 gene, results from a G to C substitution at nucleotide position 3468. The methionine at codon 1156 is replaced by isoleucine, an amino acid with highly similar properties. This amino acid position is not well conserved in available vertebrate species. In addition, the in silico prediction for this alteration is inconclusive. Since supporting evidence is limited at this time, the clinical significance of this alteration remains unclear.

Labcorp Genetics (formerly Invitae), Labcorp
Classification: Uncertain significance for Hereditary nonpolyposis colorectal neoplasms. Last evaluated: 2022-09-02. Review status: criteria provided, single submitter. Criteria: Invitae Variant Classification Sherloc (09022015). Collection method: clinical testing. Allele origin: germline.
Comment: This variant has not been reported in the literature in individuals affected with MSH6-related conditions. This variant is not present in population databases (gnomAD no frequency). This sequence change replaces methionine, which is neutral and non-polar, with isoleucine, which is neutral and non-polar, at codon 1156 of the MSH6 protein (p.Met1156Ile). ClinVar contains an entry for this variant (Variation ID: 582446). In summary, the available evidence is currently insufficient to determine the role of this variant in disease. Therefore, it has been classified as a Variant of Uncertain Significance. Advanced modeling of protein sequence and biophysical properties (such as structural, functional, and spatial information, amino acid conservation, physicochemical variation, residue mobility, and thermodynamic stability) performed at Invitae indicates that this missense variant is not expected to disrupt MSH6 protein function.